The following is an entry in ClinVar:

ClinVar aggregate classification (germline): Uncertain significance. Review status: criteria provided, multiple submitters, no conflicts (2 of 4 stars). 2 submissions from 2 submitters: Uncertain significance (2). Last evaluated 2025-04-25.

Conditions:
Nephronophthisis 1 (NPHP1). Also called: Nephronophthisis familial juvenile. Identifiers: Orphanet 655, Orphanet 93592, MedGen C1855681, MONDO:0009728, OMIM 256100.
Senior-Loken syndrome 1 (SLSN1). Also called: JUVENILE NEPHRONOPHTHISIS WITH LEBER AMAUROSIS. Identifiers: Orphanet 3156, MedGen C4551559, MONDO:0009962, OMIM 266900.
Joubert syndrome with renal defect. Also called: JOUBERT SYNDROME 4. Identifiers: Orphanet 220497, MedGen C1846790, MONDO:0012308, OMIM 609583.
NPHP1-related disorder. Also called: NPHP1-related disorders; NPHP1-related condition.

gnomAD v4.1: 2 of 1,609,870 alleles (0.00012%); highest among the groups gnomAD compares: Admixed American, 0.0017%; no homozygotes.

Submissions (2):

PreventionGenetics, part of Exact Sciences
Classification: Uncertain significance for NPHP1-related condition. Last evaluated: 2025-04-25. Review status: criteria provided, single submitter. Criteria: ACMG Guidelines, 2015. Collection method: clinical testing. Allele origin: germline.
Comment: The NPHP1 c.93C>A variant is predicted to result in the amino acid substitution p.Ser31Arg. To our knowledge, this variant has not been reported in the literature or in a large population database (gnomAD), indicating this variant is rare. At this time, the clinical significance of this variant is uncertain due to the absence of conclusive functional and genetic evidence.

Fulgent Genetics
Classification: Uncertain significance for Nephronophthisis 1; Senior-Loken syndrome 1; Joubert syndrome with renal defect. Last evaluated: 2024-01-31. Review status: criteria provided, single submitter. Criteria: ACMG Guidelines, 2015. Collection method: clinical testing. Allele origin: germline.

NM_001128178.3(NPHP1):c.93C>A (p.Ser31Arg)

Gene: NPHP1 (nephrocystin 1; minus strand). Cytogenetic location: 2q13.
Variant type: single nucleotide variant.
Coding change: c.93C>A on transcript NM_001128178.3 (MANE Select); coding-DNA position 93, C replaced by A.
Protein change: p.Ser31Arg; replaces serine 31 with arginine.
Molecular consequence: missense variant.
Genome position (GRCh38, 1-based): chr2:110,201,471, G>T on the plus strand (C>A on the coding strand, the complement: NPHP1 is on the minus strand). VCF-style: chr2-110201471-G-T. GRCh37 (hg19) VCF-style: chr2-110959048-G-T.
Other names: c.93C>A (NM_000272.4, NM_000272.3); c.93C>A, p.Ser31Arg (NM_000272.5, NM_001128179.3, NM_001374256.1 and 2 more transcripts); short protein forms S31R.
Identifiers: ClinVar variation 3584282 (VCV003584282.2).
Genomic context (GRCh38, chr2:110,201,471, plus strand): 5'-CATACTTTACCTTTGATAAATATGTTGTCTTTTATTGGGTTCTAGAGCTTCTTTCAGTTG[G>T]CTCTCAGAAAGCAAACTATCAACCTATGGAGACCATTTAAAATATCACATTATTAAATAC-3'
Protein context (NP_001121650.1, residues 21-41): KQQVDSLLSE[Ser31Arg]QLKEALEPNK